The following is an entry in ClinVar:

NM_000138.5(FBN1):c.5917+1G>A

Gene: FBN1 (fibrillin 1; minus strand). Cytogenetic location: 15q21.1.
Variant type: single nucleotide variant.
Coding change: c.5917+1G>A on transcript NM_000138.5 (MANE Select); the canonical splice donor site of the intron after coding-DNA position 5917, G replaced by A.
Molecular consequence: splice donor variant.
Genome position (GRCh38, 1-based): chr15:48,445,375, C>T on the plus strand (G>A on the coding strand, the complement: FBN1 is on the minus strand). VCF-style: chr15-48445375-C-T. GRCh37 (hg19) VCF-style: chr15-48737572-C-T.
Other names: c.5917+1G>A (NM_001406716.1).
Identifiers: ClinVar variation 280287 (VCV000280287.10), dbSNP rs363808, ClinGen allele CA10603448.

ClinVar aggregate classification (germline): Pathogenic/Likely pathogenic. Review status: criteria provided, multiple submitters, no conflicts (2 of 4 stars). 2 submissions from 2 submitters: Pathogenic (1); Likely pathogenic (1). Last evaluated 2024-05-28.

Conditions:
Marfan syndrome (MFS). Also called: Marfan syndrome type 1; Marfan's syndrome; MARFAN SYNDROME, TYPE I; Marfan syndrome, classic; FBN1-Related Marfan Syndrome. Identifiers: Orphanet 284963, Orphanet 558, MedGen C0024796, MONDO:0007947, OMIM 154700.
Familial thoracic aortic aneurysm and aortic dissection (TAAD). Also called: Thoracic aortic aneurysms and dissections. Identifiers: Orphanet 91387, MedGen C4707243, MONDO:0019625.

Submissions (2):

Labcorp Genetics (formerly Invitae), Labcorp
Classification: Pathogenic for Marfan syndrome; Familial thoracic aortic aneurysm and aortic dissection. Last evaluated: 2024-05-28. Review status: criteria provided, single submitter. Criteria: Invitae Variant Classification Sherloc (09022015). Collection method: clinical testing. Allele origin: germline.
Comment: This sequence change affects a donor splice site in intron 48 of the FBN1 gene. It is expected to disrupt RNA splicing. Variants that disrupt the donor or acceptor splice site typically lead to a loss of protein function (PMID: 16199547), and loss-of-function variants in FBN1 are known to be pathogenic (PMID: 17657824, 19293843). This variant is not present in population databases (gnomAD no frequency). Disruption of this splice site has been observed in individuals with clinical features of Marfan syndrome (PMID: 27906200; Invitae). ClinVar contains an entry for this variant (Variation ID: 280287). Algorithms developed to predict the effect of sequence changes on RNA splicing suggest that this variant may disrupt the consensus splice site. For these reasons, this variant has been classified as Pathogenic.

GeneDx
Classification: Likely pathogenic. Last evaluated: 2021-04-02. Review status: criteria provided, single submitter. Criteria: GeneDx Variant Classification Process June 2021. Collection method: clinical testing. Allele origin: germline. Affected: yes.
Comment: Canonical splice site variant expected to result in aberrant splicing, although in the absence of functional evidence the actual effect of this sequence change is unknown.; Not observed in large population cohorts (Lek et al., 2016); This variant is associated with the following publications: (PMID: 27906200)

Literature cited by the submitters: PubMed 16199547 (cited by Labcorp Genetics (formerly Invitae), Labcorp); PubMed 17657824 (cited by Labcorp Genetics (formerly Invitae), Labcorp); PubMed 19293843 (cited by Labcorp Genetics (formerly Invitae), Labcorp); PubMed 27906200 (cited by Labcorp Genetics (formerly Invitae), Labcorp).